The following is an entry in ClinVar:

ClinVar aggregate classification (germline): Uncertain significance (1 of 4 stars; one submission).

Allele frequency attached by ClinVar (database versions not stated): TOPMed below 0.00001; ExAC 0.00001; gnomAD 0.00001; gnomAD exomes 0.00001.
gnomAD v4.1: 12 of 1,478,592 alleles (0.00081%); highest among the groups gnomAD compares: Admixed American, 0.0017%; no homozygotes.

Submission:

Labcorp Genetics (formerly Invitae), Labcorp
Classification: Uncertain significance. Last evaluated: 2023-06-30. Review status: criteria provided, single submitter. Criteria: Invitae Variant Classification Sherloc (09022015). Collection method: clinical testing. Allele origin: germline.
Comment: This variant has not been reported in the literature in individuals affected with RIMS1-related conditions. In summary, the available evidence is currently insufficient to determine the role of this variant in disease. Therefore, it has been classified as a Variant of Uncertain Significance. Variants that disrupt the consensus splice site are a relatively common cause of aberrant splicing (PMID: 17576681, 9536098). Algorithms developed to predict the effect of sequence changes on RNA splicing suggest that this variant may disrupt the consensus splice site. ClinVar contains an entry for this variant (Variation ID: 1930838). This variant is present in population databases (rs752372902, gnomAD 0.006%). This sequence change falls in intron 21 of the RIMS1 gene. It does not directly change the encoded amino acid sequence of the RIMS1 protein. It affects a nucleotide within the consensus splice site.

Literature cited by the submitters: PubMed 17576681; PubMed 9536098.

NM_014989.7(RIMS1):c.3308+5G>C

Gene: RIMS1 (regulating synaptic membrane exocytosis 1; plus strand). Cytogenetic location: 6q13.
Variant type: single nucleotide variant.
Coding change: c.3308+5G>C on transcript NM_014989.7 (MANE Select); 5 bases into the intron after coding-DNA position 3308, G replaced by C.
Molecular consequence: intron variant.
Genome position (GRCh38, 1-based): chr6:72,265,508, G>C. VCF-style: chr6-72265508-G-C. GRCh37 (hg19) VCF-style: chr6-72975211-G-C.
Other names: c.1470-452G>C (NM_001350428.2, NM_001350459.2, NM_001350424.2 and 1 more transcripts); c.1467-452G>C (NM_001350437.2, NM_001350430.2, NM_001350421.2 and 1 more transcripts); c.1617-452G>C (NM_001350458.2); c.1539-452G>C (NM_001350433.2, NM_001350446.2, NM_001350442.2 and 8 more transcripts); c.1538+4741G>C (NM_001350431.2); c.1476-452G>C (NM_001350457.2); c.1475+6397G>C (NM_001350460.2, NM_001350426.2, NM_001350429.2 and 1 more transcripts); c.1727+5G>C (NM_001350436.2); and 14 more.
Identifiers: ClinVar variation 1930838 (VCV001930838.5), dbSNP rs752372902, ClinGen allele CA3886200.